The following is an entry in ClinVar:

ClinVar aggregate classification (germline): Pathogenic. Review status: reviewed by expert panel (3 of 4 stars). 2 submissions from 2 submitters: Pathogenic (1). 1 of the submissions does not count toward it. Last evaluated 2016-09-08.

Conditions:
Hereditary cancer-predisposing syndrome. Also called: Tumor predisposition; Hereditary neoplastic syndrome; Hereditary Cancer Syndrome; Neoplastic Syndromes, Hereditary. Identifiers: Orphanet 140162, MedGen C0027672, MeSH D009386, MONDO:0015356.
Breast-ovarian cancer, familial, susceptibility to, 1 (BROVCA1). Also called: BRCA1 Hereditary Breast and Ovarian Cancer; OVARIAN CANCER, SUSCEPTIBILITY TO. Identifiers: Orphanet 145, MedGen C2676676, MONDO:0011450, OMIM 604370. Disease mechanism: loss of function.

Submissions (2):

Evidence-based Network for the Interpretation of Germline Mutant Alleles (ENIGMA)
Classification: Pathogenic for Breast-ovarian cancer, familial, susceptibility to, 1. Last evaluated: 2016-09-08. Review status: reviewed by expert panel. Criteria: ENIGMA BRCA1/2 Classification Criteria (2015). Collection method: curation. Allele origin: germline.
Comment: Variant allele predicted to encode a truncated non-functional protein.

Ambry Genetics
Classification: Pathogenic for Hereditary cancer-predisposing syndrome. Last evaluated: 2026-05-14. Review status: criteria provided, single submitter. Criteria: Ambry Variant Classification Scheme 2023. Collection method: clinical testing. Allele origin: germline. Not counted in ClinVar's aggregate classification.
Comment: The p.K865* pathogenic mutation (also known as c.2593A>T), located in coding exon 9 of the BRCA1 gene, results from an A to T substitution at nucleotide position 2593. This changes the amino acid from a lysine to a stop codon within coding exon 9. This variant is considered to be rare based on population cohorts in the Genome Aggregation Database (gnomAD). This alteration is expected to result in loss of function by premature protein truncation or nonsense-mediated mRNA decay. As such, this alteration is interpreted as a disease-causing mutation.

NM_007294.4(BRCA1):c.2593A>T (p.Lys865Ter)

Gene: BRCA1 (BRCA1 DNA repair associated; minus strand). Cytogenetic location: 17q21.31.
Variant type: single nucleotide variant.
Coding change: c.2593A>T on transcript NM_007294.4 (MANE Select); coding-DNA position 2593, A replaced by T.
Protein change: p.Lys865Ter; replaces lysine 865 with a stop codon.
Molecular consequence: nonsense. On other transcripts: intron variant (137).
Genome position (GRCh38, 1-based): chr17:43,092,938, T>A on the plus strand (A>T on the coding strand, the complement: BRCA1 is on the minus strand). VCF-style: chr17-43092938-T-A. GRCh37 (hg19) VCF-style: chr17-41244955-T-A.
Other names: c.2380A>T, p.Lys794Ter (NM_001407571.1, NM_001407853.1, NM_001407894.1 and 9 more transcripts); c.2593A>T, p.Lys865Ter (NM_001407581.1, NM_001407582.1, NM_001407583.1 and 30 more transcripts); c.2590A>T, p.Lys864Ter (NM_001407587.1, NM_001407590.1, NM_001407591.1 and 22 more transcripts); c.2584A>T, p.Lys862Ter (NM_001407646.1, NM_001407647.1); c.2470A>T, p.Lys824Ter (NM_001407648.1, NM_001407664.1, NM_001407665.1 and 19 more transcripts); c.2467A>T, p.Lys823Ter (NM_001407649.1, NM_001407670.1, NM_001407671.1 and 11 more transcripts); c.2515A>T, p.Lys839Ter (NM_001407653.1, NM_001407654.1, NM_001407655.1 and 4 more transcripts); c.2452A>T, p.Lys818Ter (NM_001407728.1, NM_001407729.1, NM_001407730.1 and 29 more transcripts); and 41 more; short protein forms K865*, K818*, K697*, K738*, K795*, K798*, K838*, K569*.
Identifiers: ClinVar variation 142666 (VCV000142666.7), dbSNP rs587782628, ClinGen allele CA001706.
Genomic context (GRCh38, chr17:43,092,938, plus strand): 5'-ATGTTGCACATTCCTCTTCTGCATTTCCTGGATTTGAAAACGGAGCAAATGACTGGCGCT[T>A]TGAAACCTTGAATGTATTCTGCAAATACTGAGCATCAAGTTCACTTTCTTCCATTTCTAT-3'